The following is an entry in ClinVar:

NM_001458.5(FLNC):c.5427G>A (p.Thr1809=)

Genes: FLNC (filamin C; plus strand), FLNC-AS1 (FLNC antisense RNA 1; minus strand). Cytogenetic location: 7q32.1.
Variant type: single nucleotide variant.
Coding change: c.5427G>A on transcript NM_001458.5 (MANE Select); coding-DNA position 5427, G replaced by A.
Protein change: p.Thr1809=; no amino-acid change (threonine 1809 retained).
Molecular consequence: synonymous variant.
Genome position (GRCh38, 1-based): chr7:128,850,831, G>A. VCF-style: chr7-128850831-G-A. GRCh37 (hg19) VCF-style: chr7-128490885-G-A.
Other names: c.5328G>A, p.Thr1776= (NM_001127487.2).
Identifiers: ClinVar variation 539522 (VCV000539522.40), dbSNP rs774600814, ClinGen allele CA4475694.

ClinVar aggregate classification (germline): Likely benign. Review status: criteria provided, multiple submitters, no conflicts (2 of 4 stars). 5 submissions from 5 submitters: Likely benign (5). Last evaluated 2026-01-06.

Conditions:
Myofibrillar myopathy 5. Also called: Filaminopathy (type); FILAMINOPATHY, AUTOSOMAL DOMINANT. Identifiers: Orphanet 171445, MedGen C1836050, MONDO:0012289, OMIM 609524.
Distal myopathy with posterior leg and anterior hand involvement. Also called: WILLIAMS DISTAL MYOPATHY. Identifiers: Orphanet 63273, MedGen C3279722, MONDO:0013550, OMIM 614065.
Hypertrophic cardiomyopathy 26. Also called: Cardiomyopathy, familial hypertrophic, 26. Identifiers: Orphanet 75249, MedGen C4310749, MONDO:0014883, OMIM 617047.
Cardiovascular phenotype. Identifiers: MedGen CN230736.

Allele frequency attached by ClinVar (database versions not stated): TOPMed 0.00005.
gnomAD v4.1: 114 of 1,613,646 alleles (0.0071%); highest among the groups gnomAD compares: Non-Finnish European, 0.0092%; no homozygotes.

Submissions (5):

Labcorp Genetics (formerly Invitae), Labcorp
Classification: Likely benign for Distal myopathy with posterior leg and anterior hand involvement; Myofibrillar myopathy 5; Hypertrophic cardiomyopathy 26. Last evaluated: 2026-01-06. Review status: criteria provided, single submitter. Criteria: Invitae Variant Classification Sherloc (09022015). Collection method: clinical testing. Allele origin: germline.

CeGaT Center for Human Genetics Tuebingen
Classification: Likely benign. Last evaluated: 2025-12-01. Review status: criteria provided, single submitter. Criteria: CeGaT Center For Human Genetics Tuebingen Variant Classification Criteria Version 2. Collection method: clinical testing. Allele origin: germline. Affected: yes. Observed: 2 variant alleles.
Comment: FLNC: BP4, BP7

Molecular Diagnostic Laboratory for Inherited Cardiovascular Disease, Montreal Heart Institute
Classification: Likely benign. Last evaluated: 2025-04-09. Review status: criteria provided, single submitter. Criteria: ACMG Guidelines, 2015. Collection method: clinical testing. Allele origin: germline. Affected: no.
Comment: BP6;BP7

Blueprint Genetics
Classification: Likely benign. Last evaluated: 2024-10-14. Review status: criteria provided, single submitter. Criteria: ACMG Guidelines, 2015. Collection method: clinical testing. Allele origin: germline.

Ambry Genetics
Classification: Likely benign for Cardiovascular phenotype. Last evaluated: 2019-05-03. Review status: criteria provided, single submitter. Criteria: Ambry Variant Classification Scheme 2023. Collection method: clinical testing. Allele origin: germline.